The following is an entry in ClinVar:

ClinVar aggregate classification (germline): Uncertain significance. Review status: criteria provided, multiple submitters, no conflicts (2 of 4 stars). 2 submissions from 2 submitters: Uncertain significance (2). Last evaluated 2022-12-12.

Conditions:
Inborn genetic diseases. Identifiers: MedGen C0950123, MeSH D030342.

Allele frequency attached by ClinVar (database versions not stated): ExAC 0.00001.
gnomAD v4.1: 7 of 1,613,866 alleles (0.00043%); highest among the groups gnomAD compares: East Asian, 0.0022%; no homozygotes.

Submissions (2):

Ambry Genetics
Classification: Uncertain significance for Inborn genetic diseases. Last evaluated: 2022-12-12. Review status: criteria provided, single submitter. Criteria: Ambry Variant Classification Scheme 2023. Collection method: clinical testing. Allele origin: germline.
Comment: The p.R2407C variant (also known as c.7219C>T), located in coding exon 43 of the ATR gene, results from a C to T substitution at nucleotide position 7219. The arginine at codon 2407 is replaced by cysteine, an amino acid with highly dissimilar properties. This amino acid position is conserved. In addition, the in silico prediction for this alteration is inconclusive. Since supporting evidence is limited at this time, the clinical significance of this alteration remains unclear.

Blueprint Genetics
Classification: Uncertain significance. Last evaluated: 2022-06-15. Review status: criteria provided, single submitter. Criteria: ACMG Guidelines, 2015. Collection method: clinical testing. Allele origin: germline.

NM_001184.4(ATR):c.7219C>T (p.Arg2407Cys)

Gene: ATR (ATR checkpoint kinase; minus strand). Cytogenetic location: 3q23.
Variant type: single nucleotide variant.
Coding change: c.7219C>T on transcript NM_001184.4 (MANE Select); coding-DNA position 7219, C replaced by T.
Protein change: p.Arg2407Cys; replaces arginine 2407 with cysteine.
Molecular consequence: missense variant.
Genome position (GRCh38, 1-based): chr3:142,459,357, G>A on the plus strand (C>T on the coding strand, the complement: ATR is on the minus strand). VCF-style: chr3-142459357-G-A. GRCh37 (hg19) VCF-style: chr3-142178199-G-A.
Other names: c.7027C>T, p.Arg2343Cys (NM_001354579.2); short protein forms R2407C, R2343C.
Identifiers: ClinVar variation 2496610 (VCV002496610.3), dbSNP rs746049210, ClinGen allele CA2649169.